The following is an entry in ClinVar:

NM_015338.6(ASXL1):c.2386T>C (p.Trp796Arg)

Gene: ASXL1 (ASXL transcriptional regulator 1; plus strand). Cytogenetic location: 20q11.21.
Variant type: single nucleotide variant.
Coding change: c.2386T>C on transcript NM_015338.6 (MANE Select); coding-DNA position 2386, T replaced by C.
Protein change: p.Trp796Arg; replaces tryptophan 796 with arginine.
Molecular consequence: missense variant.
Genome position (GRCh38, 1-based): chr20:32,435,098, T>C. VCF-style: chr20-32435098-T-C. GRCh37 (hg19) VCF-style: chr20-31022901-T-C.
Other names: c.2203T>C, p.Trp735Arg (NM_001363734.1); short protein forms W735R, W796R.
Identifiers: ClinVar variation 4587780 (VCV004587780.1).
Genomic context (GRCh38, chr20:32,435,098, plus strand): 5'-GTGGAGCAGCCTCAGTTGCATCCGGATGTTAGAACTGAATGTGAGTCTGGCACCACTTCC[T>C]GGGAAAGTGATGATGAGGAGCAAGGACCCACCGTTCCTGCAGACAATGGTCCCATTCCGT-3'
Protein context (NP_056153.2, residues 786-806): RTECESGTTS[Trp796Arg]ESDDEEQGPT

ClinVar aggregate classification (germline): Uncertain significance (1 of 4 stars; one submission).

Conditions:
Inborn genetic diseases. Identifiers: MedGen C0950123, MeSH D030342.

Submission:

Ambry Genetics
Classification: Uncertain significance for Inborn genetic diseases. Last evaluated: 2025-10-09. Review status: criteria provided, single submitter. Criteria: Ambry Variant Classification Scheme 2023. Collection method: clinical testing. Allele origin: germline.
Comment: The p.W796R variant (also known as c.2386T>C), located in coding exon 13 of the ASXL1 gene, results from a T to C substitution at nucleotide position 2386. The tryptophan at codon 796 is replaced by arginine, an amino acid with dissimilar properties. This amino acid position is conserved. In addition, this alteration is predicted to be tolerated by in silico analysis. Based on the available evidence, the clinical significance of this variant remains unclear.